The following is an entry in ClinVar:

NM_004415.4(DSP):c.3075A>C (p.Glu1025Asp)

Gene: DSP (desmoplakin; plus strand). Cytogenetic location: 6p24.3.
Variant type: single nucleotide variant.
Coding change: c.3075A>C on transcript NM_004415.4 (MANE Select); coding-DNA position 3075, A replaced by C.
Protein change: p.Glu1025Asp; replaces glutamic acid 1025 with aspartic acid.
Molecular consequence: missense variant.
Genome position (GRCh38, 1-based): chr6:7,578,553, A>C. VCF-style: chr6-7578553-A-C. GRCh37 (hg19) VCF-style: chr6-7578786-A-C.
Other names: c.3075A>C, p.Glu1025Asp (NM_001008844.3, NM_001319034.2); short protein forms E1025D.
Identifiers: ClinVar variation 2775291 (VCV002775291.3), dbSNP rs1233773861, ClinGen allele CA362682784.

ClinVar aggregate classification (germline): Uncertain significance. Review status: criteria provided, multiple submitters, no conflicts (2 of 4 stars). 2 submissions from 2 submitters: Uncertain significance (2). Last evaluated 2024-03-06.

Conditions:
Cardiomyopathy (CMYO). Also called: Cardiomyopathies. Identifiers: Orphanet 167848, MedGen C0878544, MONDO:0004994, HP:0001638. Inheritance: Various modes of inheritance.
Arrhythmogenic cardiomyopathy with wooly hair and keratoderma. Also called: PALMOPLANTAR KERATODERMA WITH LEFT VENTRICULAR CARDIOMYOPATHY AND WOOLLY HAIR; Dilated cardiomyopathy with woolly hair and keratoderma; Arrhythmogenic cardiomyopathy with woolly hair and keratoderma; Carvajal syndrome. Identifiers: Orphanet 65282, MedGen C1854063, MONDO:0011581, OMIM 605676.

Allele frequency attached by ClinVar (database versions not stated): gnomAD exomes 0.00001.
gnomAD v4.1: 3 of 1,613,130 alleles (0.00019%); highest among the groups gnomAD compares: Non-Finnish European, 0.00025%; no homozygotes.

Submissions (2):

Color Diagnostics, LLC DBA Color Health
Classification: Uncertain significance for Cardiomyopathy. Last evaluated: 2024-03-06. Review status: criteria provided, single submitter. Criteria: ACMG Guidelines, 2015. Collection method: clinical testing. Allele origin: germline.
Comment: This missense variant replaces glutamic acid with aspartic acid at codon 1025 of the DSP protein. Computational prediction suggests that this variant may not impact protein structure and function (internally defined REVEL score threshold <= 0.5, PMID: 27666373). To our knowledge, functional studies have not been reported for this variant. This variant has not been reported in individuals affected with cardiovascular disorders in the literature. This variant has not been identified in the general population by the Genome Aggregation Database (gnomAD). The available evidence is insufficient to determine the role of this variant in disease conclusively. Therefore, this variant is classified as a Variant of Uncertain Significance.

All of Us Research Program, National Institutes of Health
Classification: Uncertain significance for Arrhythmogenic cardiomyopathy with wooly hair and keratoderma. Last evaluated: 2023-12-01. Review status: criteria provided, single submitter. Criteria: ACMG Guidelines, 2015. Collection method: clinical testing. Allele origin: germline. Inheritance: Autosomal dominant inheritance. Observed: 2 variant alleles, 2 heterozygotes.
Comment: This study involves interpretation of variants in research participants for the purpose of population health screening. Participant phenotype was not available at the time of variant classification. Additional details can be found in publication PMID: 35346344, PMCID: PMC8962531